The following is an entry in ClinVar:

ClinVar aggregate classification (germline): Uncertain significance (1 of 4 stars; one submission).

Conditions:
Desmin-related myofibrillar myopathy (MFM1). Also called: Myofibrillar myopathy 1; Desminopathy; MYOFIBRILLAR MYOPATHY WITH ARRHYTHMOGENIC RIGHT VENTRICULAR CARDIOMYOPATHY; DESMIN-RELATED MYOPATHY WITH ARRHYTHMOGENIC RIGHT VENTRICULAR CARDIOMYOPATHY; Desmin related myopathy (former name); Desmin storage myopathy (former name). Identifiers: Orphanet 363543, Orphanet 98909, MedGen C1832370, MONDO:0011076, OMIM 601419.

Submission:

Labcorp Genetics (formerly Invitae), Labcorp
Classification: Uncertain significance for Desmin-related myofibrillar myopathy. Last evaluated: 2022-03-12. Review status: criteria provided, single submitter. Criteria: Invitae Variant Classification Sherloc (09022015). Collection method: clinical testing. Allele origin: germline.
Comment: Algorithms developed to predict the effect of missense changes on protein structure and function are either unavailable or do not agree on the potential impact of this missense change (SIFT: "Tolerated"; PolyPhen-2: "Not Available"; Align-GVGD: "Class C0"). This sequence change replaces alanine, which is neutral and non-polar, with aspartic acid, which is acidic and polar, at codon 4 of the DES protein (p.Ala4Asp). This variant is not present in population databases (gnomAD no frequency). This variant has not been reported in the literature in individuals affected with DES-related conditions. In summary, the available evidence is currently insufficient to determine the role of this variant in disease. Therefore, it has been classified as a Variant of Uncertain Significance.

NM_001927.4(DES):c.11C>A (p.Ala4Asp)

Gene: DES (desmin; plus strand). Cytogenetic location: 2q35.
Variant type: single nucleotide variant.
Coding change: c.11C>A on transcript NM_001927.4 (MANE Select); coding-DNA position 11, C replaced by A.
Protein change: p.Ala4Asp; replaces alanine 4 with aspartic acid.
Molecular consequence: missense variant.
Genome position (GRCh38, 1-based): chr2:219,418,473, C>A. VCF-style: chr2-219418473-C-A. GRCh37 (hg19) VCF-style: chr2-220283195-C-A.
Other names: c.11C>A, p.Ala4Asp (NM_001382708.1, NM_001382709.1, NM_001382710.1 and 3 more transcripts); short protein forms A4D.
Identifiers: ClinVar variation 2110362 (VCV002110362.4), dbSNP rs1231213195, ClinGen allele CA350682026.